The following is an entry in ClinVar:

ClinVar aggregate classification (germline): Uncertain significance (1 of 4 stars; one submission).

Conditions:
Dilated cardiomyopathy 1G (CMD1G). Identifiers: Orphanet 154, MedGen C1858763, MONDO:0011400, OMIM 604145.
Autosomal recessive limb-girdle muscular dystrophy type 2J (LGMDR10). Also called: Limb-girdle muscular dystrophy, type 2J; MUSCULAR DYSTROPHY, LIMB-GIRDLE, AUTOSOMAL RECESSIVE 10. Identifiers: Orphanet 140922, MedGen C1837342, MONDO:0012127, OMIM 608807.

Submission:

Labcorp Genetics (formerly Invitae), Labcorp
Classification: Uncertain significance for Dilated cardiomyopathy 1G; Autosomal recessive limb-girdle muscular dystrophy type 2J. Last evaluated: 2018-12-07. Review status: criteria provided, single submitter. Criteria: Invitae Variant Classification Sherloc (09022015). Collection method: clinical testing. Allele origin: germline.
Comment: Algorithms developed to predict the effect of missense changes on protein structure and function are unavailable for the TTN gene. This variant is located in the M band of TTN (PMID: 25589632). Variants in this region may be relevant for neuromuscular disorders, but have not been definitively shown to cause cardiomyopathy (PMID: 23975875). In summary, the available evidence is currently insufficient to determine the role of this variant in disease. Therefore, it has been classified as a Variant of Uncertain Significance. This variant has not been reported in the literature in individuals with TTN-related conditions. This variant is not present in population databases (ExAC no frequency). This sequence change replaces leucine with isoleucine at codon 34687 of the TTN protein (p.Leu34687Ile). There is a small physicochemical difference between leucine and isoleucine.

Literature cited by the submitters: PubMed 25589632; PubMed 23975875.

NM_001267550.2(TTN):c.104059C>A (p.Leu34687Ile)

Genes: TTN-AS1 (TTN antisense RNA 1; plus strand), TTN (titin; minus strand). Cytogenetic location: 2q31.2.
Variant type: single nucleotide variant.
Coding change: c.104059C>A on transcript NM_001267550.2 (MANE Select); coding-DNA position 104059, C replaced by A.
Protein change: p.Leu34687Ile; replaces leucine 34687 with isoleucine.
Molecular consequence: missense variant.
Genome position (GRCh38, 1-based): chr2:178,532,556, G>T on the plus strand (C>A on the coding strand, the complement: TTN is on the minus strand). VCF-style: chr2-178532556-G-T. GRCh37 (hg19) VCF-style: chr2-179397283-G-T.
Other names: c.99136C>A, p.Leu33046Ile (NM_001256850.1); c.76864C>A, p.Leu25622Ile (NM_003319.4); c.96355C>A, p.Leu32119Ile (NM_133378.4); c.77239C>A, p.Leu25747Ile (NM_133432.3); c.77440C>A, p.Leu25814Ile (NM_133437.4); short protein forms L32119I, L25747I, L25814I, L33046I, L25622I, L34687I.
Identifiers: ClinVar variation 645646 (VCV000645646.7), dbSNP rs1575250160, ClinGen allele CA349412647.